The following is an entry in ClinVar:

ClinVar aggregate classification (germline): Uncertain significance (1 of 4 stars; one submission).

Conditions:
Familial sleep-related hypermotor epilepsy. Also called: Autosomal Dominant Sleep-Related Hypermotor (Hyperkinetic) Epilepsy. Identifiers: Orphanet 98784, MedGen C3696898, MONDO:0000030.

Submission:

Labcorp Genetics (formerly Invitae), Labcorp
Classification: Uncertain significance. Last evaluated: 2023-05-22. Review status: criteria provided, single submitter. Criteria: Invitae Variant Classification Sherloc (09022015). Collection method: clinical testing. Allele origin: germline.
Comment: This sequence change replaces arginine, which is basic and polar, with serine, which is neutral and polar, at codon 422 of the CHRNA2 protein (p.Arg422Ser). This variant is not present in population databases (gnomAD no frequency). This variant has not been reported in the literature in individuals affected with CHRNA2-related conditions. ClinVar contains an entry for this variant (Variation ID: 1349848). Advanced modeling of protein sequence and biophysical properties (such as structural, functional, and spatial information, amino acid conservation, physicochemical variation, residue mobility, and thermodynamic stability) performed at Invitae indicates that this missense variant is not expected to disrupt CHRNA2 protein function. In summary, the available evidence is currently insufficient to determine the role of this variant in disease. Therefore, it has been classified as a Variant of Uncertain Significance.

NM_000742.4(CHRNA2):c.1266A>T (p.Arg422Ser)

Gene: CHRNA2 (cholinergic receptor nicotinic alpha 2 subunit; minus strand). Cytogenetic location: 8p21.2.
Variant type: single nucleotide variant.
Coding change: c.1266A>T on transcript NM_000742.4 (MANE Select); coding-DNA position 1266, A replaced by T.
Protein change: p.Arg422Ser; replaces arginine 422 with serine.
Molecular consequence: missense variant.
Genome position (GRCh38, 1-based): chr8:27,463,177, T>A on the plus strand (A>T on the coding strand, the complement: CHRNA2 is on the minus strand). VCF-style: chr8-27463177-T-A. GRCh37 (hg19) VCF-style: chr8-27320694-T-A.
Other names: c.1221A>T, p.Arg407Ser (NM_001282455.2); c.789A>T, p.Arg263Ser (NM_001347705.2, NM_001347706.2); c.672A>T, p.Arg224Ser (NM_001347707.2, NM_001347708.2); short protein forms R263S, R407S, R422S, R224S.
Identifiers: ClinVar variation 1349848 (VCV001349848.8), dbSNP rs2132650884, ClinGen allele CA370809013.
Genomic context (GRCh38, chr8:27,463,177, plus strand): 5'-CAGGTGGCCGTGGCTGCAGAGGGTGCCCACAGAGGGGGCCACATGACCTGCACATGCCCA[T>A]CTGTCCTCCTCCTCCACCACCACCTCCCTCTCCTCGGCATCCACGTTGCTCTCCAGCCAG-3'
Protein context (NP_000733.2, residues 412-432): EREVVVEEED[Arg422Ser]WACAGHVAPS